The following is an entry in ClinVar:

NM_001271.4(CHD2):c.3964A>G (p.Arg1322Gly)

Gene: CHD2 (chromodomain helicase DNA binding protein 2; plus strand). Cytogenetic location: 15q26.1.
Variant type: single nucleotide variant.
Coding change: c.3964A>G on transcript NM_001271.4 (MANE Select); coding-DNA position 3964, A replaced by G.
Protein change: p.Arg1322Gly; replaces arginine 1322 with glycine.
Molecular consequence: missense variant.
Genome position (GRCh38, 1-based): chr15:92,998,577, A>G. VCF-style: chr15-92998577-A-G. GRCh37 (hg19) VCF-style: chr15-93541807-A-G.
Other names: short protein forms R1322G.
Identifiers: ClinVar variation 546445 (VCV000546445.6), dbSNP rs1555444712, ClinGen allele CA393899658.
Genomic context (GRCh38, chr15:92,998,577, plus strand): 5'-GATAAAAAGCCTCAGGGGAAGCAGCTACAGACCCGAGCGGATTACTTGTTGAAGCTGCTC[A>G]GAAAGGGTCTGGAGAAGAAGGGGGCTGTGACAGGTGGGGAAGAGGTGAGTACGCTGCCAG-3'
Protein context (NP_001262.3, residues 1312-1332): TRADYLLKLL[Arg1322Gly]KGLEKKGAVT

ClinVar aggregate classification (germline): Uncertain significance. Review status: criteria provided, multiple submitters, no conflicts (2 of 4 stars). 2 submissions from 2 submitters: Uncertain significance (2). Last evaluated 2023-10-17.

Conditions:
Developmental and epileptic encephalopathy 94 (DEE94). Also called: CHD2-Related Neurodevelopmental Disorders; Epileptic encephalopathy, childhood-onset. Identifiers: Orphanet 1942, Orphanet 2382, MedGen C3809278, MONDO:0014150, OMIM 615369.

Submissions (2):

Labcorp Genetics (formerly Invitae), Labcorp
Classification: Uncertain significance for Developmental and epileptic encephalopathy 94. Last evaluated: 2023-10-17. Review status: criteria provided, single submitter. Criteria: Invitae Variant Classification Sherloc (09022015). Collection method: clinical testing. Allele origin: germline.
Comment: This sequence change replaces arginine, which is basic and polar, with glycine, which is neutral and non-polar, at codon 1322 of the CHD2 protein (p.Arg1322Gly). This variant is not present in population databases (gnomAD no frequency). This missense change has been observed in individual(s) with CHD2-related conditions (Invitae). ClinVar contains an entry for this variant (Variation ID: 546445). Advanced modeling of protein sequence and biophysical properties (such as structural, functional, and spatial information, amino acid conservation, physicochemical variation, residue mobility, and thermodynamic stability) performed at Invitae indicates that this missense variant is not expected to disrupt CHD2 protein function. In summary, the available evidence is currently insufficient to determine the role of this variant in disease. Therefore, it has been classified as a Variant of Uncertain Significance.

GeneDx
Classification: Uncertain significance. Last evaluated: 2020-12-07. Review status: criteria provided, single submitter. Criteria: GeneDx Variant Classification Process June 2021. Collection method: clinical testing. Allele origin: germline. Affected: yes.
Comment: Not observed in large population cohorts (Lek et al., 2016); In silico analysis supports that this missense variant has a deleterious effect on protein structure/function; Has not been previously published as pathogenic or benign to our knowledge